The following is an entry in ClinVar:

ClinVar aggregate classification (germline): Conflicting classifications of pathogenicity. Review status: criteria provided, conflicting classifications (1 of 4 stars). 4 submissions from 4 submitters: Uncertain significance (3); Likely benign (1). Last evaluated 2026-04-01.

Conditions:
Intellectual disability-epilepsy-extrapyramidal syndrome (NEDHELS). Also called: Dyskinesia, seizures, and intellectual developmental disorder. Identifiers: Orphanet 468620, MedGen C4310683, MONDO:0014952, OMIM 617171.
Intellectual disability, autosomal dominant 24 (VSVS). Also called: VULTO-VAN SILFHOUT-DE VRIES SYNDROME. Identifiers: MedGen C4014414, MONDO:0014357, OMIM 615828.

Submissions (4):

CeGaT Center for Human Genetics Tuebingen
Classification: Likely benign. Last evaluated: 2026-04-01. Review status: criteria provided, single submitter. Criteria: CeGaT Center For Human Genetics Tuebingen Variant Classification Criteria Version 2. Collection method: clinical testing. Allele origin: germline. Affected: yes. Observed: 1 variant allele.
Comment: DEAF1: BS2

Fulgent Genetics
Classification: Uncertain significance for Intellectual disability, autosomal dominant 24; Intellectual disability-epilepsy-extrapyramidal syndrome. Last evaluated: 2021-08-02. Review status: criteria provided, single submitter. Criteria: ACMG Guidelines, 2015. Collection method: clinical testing. Allele origin: unknown.

Labcorp Genetics (formerly Invitae), Labcorp
Classification: Uncertain significance. Last evaluated: 2021-04-23. Review status: criteria provided, single submitter. Criteria: Invitae Variant Classification Sherloc (09022015). Collection method: clinical testing. Allele origin: germline.
Comment: Experimental studies and prediction algorithms are not available or were not evaluated, and the functional significance of this variant is currently unknown. In summary, the available evidence is currently insufficient to determine the role of this variant in disease. Therefore, it has been classified as a Variant of Uncertain Significance. This variant has not been reported in the literature in individuals with DEAF1-related conditions. This variant, c.56_85del, results in the deletion of 10 amino acid(s) of the DEAF1 protein (p.Val19_Ala28del), but otherwise preserves the integrity of the reading frame. The frequency data for this variant in the population databases is considered unreliable, as metrics indicate poor data quality at this position in the ExAC database.

Genetic Services Laboratory, University of Chicago
Classification: Uncertain significance. Last evaluated: 2018-12-18. Review status: criteria provided, single submitter. Criteria: ACMG Guidelines, 2015. Collection method: clinical testing. Allele origin: germline. Affected: no.

NM_021008.4(DEAF1):c.56_85del (p.Val19_Ala28del)

Gene: DEAF1 (DEAF1 transcription factor; minus strand). Cytogenetic location: 11p15.5.
Variant type: Deletion.
Coding change: c.56_85del on transcript NM_021008.4 (MANE Select); coding-DNA positions 56 to 85, 30 bases deleted (TGGCGGCCGCGGCCGCTGTGGCGGCGGCGG).
Protein change: p.Val19_Ala28del.
Molecular consequence: inframe deletion. On other transcripts: inframe indel (1), intron variant (1).
Genome position (GRCh38, 1-based): chr11:694,963-694,992, CCGCCGCCGCCACAGCGGCCGCGGCCGCCA deleted on the plus strand (TGGCGGCCGCGGCCGCTGTGGCGGCGGCGG on the coding strand, the reverse complement: DEAF1 is on the minus strand); deleting any 30 consecutive bases within chr11:694,963-695,003 gives the same sequence; the c. name uses the placement nearest the transcript's 3' end. VCF-style (leftmost placement, unchanged base first): chr11-694962-GCCGCCGCCGCCACAGCGGCCGCGGCCGCCA-G. GRCh37 (hg19) VCF-style: chr11-694962-GCCGCCGCCGCCACAGCGGCCGCGGCCGCCA-G.
Other names: c.45_74del30, p.Val19_Ala28del (NM_001293634.2); c.-437-3394_-437-3365del (NM_001367390.1).
Identifiers: ClinVar variation 1338421 (VCV001338421.11), dbSNP rs748949371, ClinGen allele CA5786672.
Genomic context (GRCh38, chr11:694,962, plus strand): 5'-TCCGAGTCCTCGTCCCTGCTCAGCACCGGCTCCTCCGCCTCGCCTCCTGCCGCGGCCGCG[GCCGCCGCCGCCACAGCGGCCGCGGCCGCCA>G]CCGCCGCCGCCTCAGCCAGGCCCAGCTGCTTTGCCGCCGAGTCCGAGTCCTCCATCCGGA-3'